The following is an entry in ClinVar:

ClinVar aggregate classification (germline): Uncertain significance (1 of 4 stars; one submission).

Submission:

Laboratorio de Genetica e Diagnostico Molecular, Hospital Israelita Albert Einstein
Classification: Uncertain significance. Last evaluated: 2022-04-12. Review status: criteria provided, single submitter. Criteria: ACMG Guidelines, 2015. Collection method: clinical testing. Allele origin: germline. Affected: yes.
Comment: ACMG classification criteria: PM2

NM_015001.3(SPEN):c.5702G>T (p.Arg1901Leu)

Gene: SPEN (spen family transcriptional repressor; plus strand). Cytogenetic location: 1p36.13.
Variant type: single nucleotide variant.
Coding change: c.5702G>T on transcript NM_015001.3 (MANE Select); coding-DNA position 5702, G replaced by T.
Protein change: p.Arg1901Leu; replaces arginine 1901 with leucine.
Molecular consequence: missense variant.
Genome position (GRCh38, 1-based): chr1:15,931,942, G>T. VCF-style: chr1-15931942-G-T. GRCh37 (hg19) VCF-style: chr1-16258437-G-T.
Other names: short protein forms R1901L.
Identifiers: ClinVar variation 1690604 (VCV001690604.2), dbSNP rs1308982924, ClinGen allele CA338628183.
Genomic context (GRCh38, chr1:15,931,942, plus strand): 5'-AAAACTCTGCTGCAGACCTTGAACATCCCGAACCAAGTTTGCCTCTCAGCCGAACAAGGC[G>T]CCGGAATGTAAGGAGCGTCTATGCAACCATGGGTGACCATGAAAACCGCTCTCCTGTCAA-3'
Protein context (NP_055816.2, residues 1891-1911): EPSLPLSRTR[Arg1901Leu]RNVRSVYATM